The following is an entry in ClinVar:

ClinVar aggregate classification (germline): Uncertain significance (1 of 4 stars; one submission).

Conditions:
Hereditary cancer-predisposing syndrome. Also called: Neoplastic Syndromes, Hereditary; Tumor predisposition; Hereditary neoplastic syndrome; Hereditary Cancer Syndrome. Identifiers: Orphanet 140162, MedGen C0027672, MeSH D009386, MONDO:0015356.

Submission:

Ambry Genetics
Classification: Uncertain significance for Hereditary cancer-predisposing syndrome. Last evaluated: 2026-07-06. Review status: criteria provided, single submitter. Criteria: Ambry Variant Classification Scheme 2023. Collection method: clinical testing. Allele origin: germline.
Comment: The p.P18H variant (also known as c.53C>A), located in coding exon 1 of the SUFU gene, results from a C to A substitution at nucleotide position 53. The proline at codon 18 is replaced by histidine, an amino acid with similar properties. This amino acid position is conserved. In addition, this alteration is predicted to be tolerated by in silico analysis. Based on the available evidence, the clinical significance of this variant remains unclear.

NM_016169.4(SUFU):c.53C>A (p.Pro18His)

Genes: SUFU (SUFU negative regulator of hedgehog signaling; plus strand), LOC130004614 (ATAC-STARR-seq lymphoblastoid silent region 2764; plus strand). Cytogenetic location: 10q24.32.
Variant type: single nucleotide variant.
Coding change: c.53C>A on transcript NM_016169.4 (MANE Select); coding-DNA position 53, C replaced by A.
Protein change: p.Pro18His; replaces proline 18 with histidine.
Molecular consequence: missense variant.
Genome position (GRCh38, 1-based): chr10:102,504,205, C>A. VCF-style: chr10-102504205-C-A. GRCh37 (hg19) VCF-style: chr10-104263962-C-A.
Other names: c.53C>A, p.Pro18His (NM_001178133.2); short protein forms P18H.
Identifiers: ClinVar variation 5030346 (VCV005030346.1).